The following is an entry in ClinVar:

ClinVar aggregate classification (germline): Uncertain significance (1 of 4 stars; one submission).

Conditions:
Progressive sclerosing poliodystrophy (MTDPS4A). Also called: ALPERS PROGRESSIVE INFANTILE POLIODYSTROPHY; NEURONAL DEGENERATION OF CHILDHOOD WITH LIVER DISEASE, PROGRESSIVE; Alpers Syndrome; ALPERS DIFFUSE DEGENERATION OF CEREBRAL GRAY MATTER WITH HEPATIC CIRRHOSIS; Alpers-Huttenlocher Syndrome; Mitochondrial DNA depletion syndrome 4A (Alpers type). Identifiers: Orphanet 726, MedGen C0205710, MONDO:0008758, OMIM 203700.

Submission:

Labcorp Genetics (formerly Invitae), Labcorp
Classification: Uncertain significance for Progressive sclerosing poliodystrophy. Last evaluated: 2023-08-20. Review status: criteria provided, single submitter. Criteria: Invitae Variant Classification Sherloc (09022015). Collection method: clinical testing. Allele origin: germline.
Comment: This sequence change falls in intron 7 of the POLG gene. It does not directly change the encoded amino acid sequence of the POLG protein. It affects a nucleotide within the consensus splice site. In summary, the available evidence is currently insufficient to determine the role of this variant in disease. Therefore, it has been classified as a Variant of Uncertain Significance. Variants that disrupt the consensus splice site are a relatively common cause of aberrant splicing (PMID: 17576681, 9536098). Algorithms developed to predict the effect of sequence changes on RNA splicing suggest that this variant is not likely to affect RNA splicing. This variant has not been reported in the literature in individuals affected with POLG-related conditions. This variant is not present in population databases (gnomAD no frequency).

Literature cited by the submitters: PubMed 17576681; PubMed 9536098.

NM_002693.3(POLG):c.1433+6C>T

Gene: POLG (DNA polymerase gamma, catalytic subunit; minus strand). Cytogenetic location: 15q26.1.
Variant type: single nucleotide variant.
Coding change: c.1433+6C>T on transcript NM_002693.3 (MANE Select); 6 bases into the intron after coding-DNA position 1433, C replaced by T.
Molecular consequence: intron variant.
Genome position (GRCh38, 1-based): chr15:89,327,161, G>A on the plus strand (C>T on the coding strand, the complement: POLG is on the minus strand). VCF-style: chr15-89327161-G-A. GRCh37 (hg19) VCF-style: chr15-89870392-G-A.
Other names: c.1433+6C>T (NM_001126131.2).
Identifiers: ClinVar variation 2754197 (VCV002754197.3), dbSNP rs2509255801, ClinGen allele CA2697549339.
Genomic context (GRCh38, chr15:89,327,161, plus strand): 5'-GCCGAAGGCTAGGCCGCCCACCTGCCAGTCCCCTGCCTAGATCCTGCCCACCCAAGGCCT[G>A]GCTACCTCTCTCCTGAGAGCAGCTGGCAGGCATCATTGGCCAGATCCATCAACGACTTCT-3'